The following is an entry in ClinVar:

ClinVar aggregate classification (germline): Pathogenic/Likely pathogenic. Review status: criteria provided, multiple submitters, no conflicts (2 of 4 stars). 3 submissions from 3 submitters: Pathogenic (2); Likely pathogenic (1). Last evaluated 2026-02-01.

Conditions:
FGFR2-related craniosynostosis. Identifiers: MedGen CN231480.
Acrocephalosyndactyly type I (ACS1). Also called: Apert syndrome; Acrocephalo-syndactyly type 1; ACS 1; Syndactylic oxycephaly. Identifiers: Orphanet 87, MedGen C0001193, MONDO:0007041, OMIM 101200.

Submissions (3):

CeGaT Center for Human Genetics Tuebingen
Classification: Likely pathogenic. Last evaluated: 2026-02-01. Review status: criteria provided, single submitter. Criteria: CeGaT Center For Human Genetics Tuebingen Variant Classification Criteria Version 2. Collection method: clinical testing. Allele origin: germline. Affected: yes. Observed: 1 variant allele.
Comment: FGFR2: PM1, PM2, PM5, PS4:Moderate, PP3

Labcorp Genetics (formerly Invitae), Labcorp
Classification: Pathogenic for FGFR2-related craniosynostosis. Last evaluated: 2023-03-09. Review status: criteria provided, single submitter. Criteria: Invitae Variant Classification Sherloc (09022015). Collection method: clinical testing. Allele origin: germline.
Comment: Advanced modeling of protein sequence and biophysical properties (such as structural, functional, and spatial information, amino acid conservation, physicochemical variation, residue mobility, and thermodynamic stability) performed at Invitae indicates that this missense variant is expected to disrupt FGFR2 protein function. Algorithms developed to predict the effect of sequence changes on RNA splicing suggest that this variant may create or strengthen a splice site. For these reasons, this variant has been classified as Pathogenic. ClinVar contains an entry for this variant (Variation ID: 1066784). This sequence change replaces serine, which is neutral and polar, with phenylalanine, which is neutral and non-polar, at codon 354 of the FGFR2 protein (p.Ser354Phe). This variant is not present in population databases (gnomAD no frequency). This missense change has been observed in individuals with clinical features of Crouzon syndrome (PMID: 12884424, 16418739, 16470531; Invitae). This variant is also known as c.1073 C>T Phe354Ser.

Mendelics
Classification: Pathogenic for Acrocephalosyndactyly type I. Last evaluated: 2022-05-04. Review status: criteria provided, single submitter. Criteria: Mendelics Assertion Criteria 2019. Collection method: clinical testing. Allele origin: germline.

Literature cited by the submitters: PubMed 12884424 (cited by Labcorp Genetics (formerly Invitae), Labcorp); PubMed 16418739 (cited by Labcorp Genetics (formerly Invitae), Labcorp); PubMed 16470531 (cited by Labcorp Genetics (formerly Invitae), Labcorp).

NM_000141.5(FGFR2):c.1061C>T (p.Ser354Phe)

Gene: FGFR2 (fibroblast growth factor receptor 2; minus strand). Cytogenetic location: 10q26.13.
Variant type: single nucleotide variant.
Coding change: c.1061C>T on transcript NM_000141.5 (MANE Select); coding-DNA position 1061, C replaced by T.
Protein change: p.Ser354Phe; replaces serine 354 with phenylalanine.
Molecular consequence: missense variant. On other transcripts: non-coding transcript variant (1), intron variant (5).
Genome position (GRCh38, 1-based): chr10:121,517,342, G>A on the plus strand (C>T on the coding strand, the complement: FGFR2 is on the minus strand). VCF-style: chr10-121517342-G-A. GRCh37 (hg19) VCF-style: chr10-123276856-G-A.
Other names: c.794C>T, p.Ser265Phe (NM_023029.3, NM_001144915.2); c.749-2023C>T (NM_001144914.1); c.939+2637C>T (NM_001144917.2); c.1087+1340C>T (NM_022970.4, NM_001144913.1); c.820+1340C>T (NM_001144919.2); c.716C>T, p.Ser239Phe (NM_001144916.2, NM_001144918.2); c.377C>T, p.Ser126Phe (NM_001320654.2); c.1061C>T, p.Ser354Phe (NM_001320658.2); short protein forms S126F, S239F, S265F, S354F.
Identifiers: ClinVar variation 1066784 (VCV001066784.12), dbSNP rs121918490, ClinGen allele CA378327681.